The following is an entry in ClinVar:

ClinVar aggregate classification (germline): Pathogenic (1 of 4 stars; one submission).

Conditions:
Usher syndrome type 2A. Also called: RETINAL DISEASE IN USHER SYNDROME TYPE IIA, MODIFIER OF; USHER SYNDROME, TYPE IIA. Identifiers: Orphanet 231178, Orphanet 886, MedGen C1848634, MONDO:0010169, OMIM 276901.

Submission:

Natera, Inc.
Classification: Pathogenic for Usher syndrome type 2A. Last evaluated: 2024-09-20. Review status: criteria provided, single submitter. Criteria: Natera Variant Classification Schema (03/2026). Collection method: clinical testing. Allele origin: germline.
Comment: The c.4396+1_4396+2delinsTG variant in USH2A is a canonical splice donor site variant predicted to affect pre-mRNA splicing, which may result in an abnormal transcript and altered protein product. This variant is expected to result in nonsense mediated decay, truncation, or a dysfunctional protein product. This variant is rare in the general population with a frequency below the threshold expected for the associated phenotype(s). Another variant at this same site results in an alteration predicted to cause a similar molecular effect has been observed in individual(s) with the associated phenotype. Given the available evidence, this variant is classified as Pathogenic.

NM_206933.4(USH2A):c.4396+1_4396+2delinsTG

Gene: USH2A (usherin; minus strand). Cytogenetic location: 1q41.
Variant type: Indel.
Coding change: c.4396+1_4396+2delinsTG on transcript NM_206933.4 (MANE Select); the canonical splice donor site of the intron after coding-DNA position 4396, GT replaced by TG.
Molecular consequence: splice donor variant.
Genome position (GRCh38, 1-based): chr1:216,190,221-216,190,222, AC replaced by CA on the plus strand (GT replaced by TG on the coding strand, the reverse complement: USH2A is on the minus strand). VCF-style: chr1-216190221-AC-CA. GRCh37 (hg19) VCF-style: chr1-216363563-AC-CA.
Other names: c.4396+1_4396+2delinsTG (NM_007123.6).
Identifiers: ClinVar variation 4817120 (VCV004817120.1).
Genomic context (GRCh38, chr1:216,190,221, plus strand): 5'-ATATTATAAGTTTTTTTTCTTGATAGGCAACAGATTTTTCATATCCATTAAAACTTGCTT[AC>CA]CTGCTGCTAAAGTTTGTCCTGCTCCCGAAGCACTGGTCACACAACCAACTGAATTGCAGA-3'